The following is an entry in ClinVar:

ClinVar aggregate classification (germline): Benign/Likely benign. Review status: criteria provided, multiple submitters, no conflicts (2 of 4 stars). 5 submissions from 5 submitters: Benign (2); Likely benign (3). Last evaluated 2026-03-01.

Conditions:
Retinitis pigmentosa 71 (RP71). Identifiers: Orphanet 791, MedGen C4225342, MONDO:0014618, OMIM 616394.
Short-rib thoracic dysplasia 10 with or without polydactyly (SRTD10). Identifiers: Orphanet 474, MedGen C3810175, MONDO:0014284, OMIM 615630.
Inborn genetic diseases. Identifiers: MedGen C0950123, MeSH D030342.

Allele frequency attached by ClinVar (database versions not stated): gnomAD exomes 0.00070; ExAC 0.00085; 1000 Genomes Project 0.00240; gnomAD 0.00276 and 0.00304; 1000 Genomes Project 30x 0.00281; TOPMed 0.00300; ESP Exome Variant Server 0.00361.
gnomAD v4.1: 770 of 1,612,648 alleles (0.048%); highest among the groups gnomAD compares: African/African-American, 0.91%; 4 homozygotes.

Submissions (5):

CeGaT Center for Human Genetics Tuebingen
Classification: Likely benign. Last evaluated: 2026-03-01. Review status: criteria provided, single submitter. Criteria: CeGaT Center For Human Genetics Tuebingen Variant Classification Criteria Version 2. Collection method: clinical testing. Allele origin: germline. Affected: yes. Observed: 1 variant allele.
Comment: IFT172: BP4, BS2

Labcorp Genetics (formerly Invitae), Labcorp
Classification: Benign for Retinitis pigmentosa 71; Short-rib thoracic dysplasia 10 with or without polydactyly. Last evaluated: 2026-01-21. Review status: criteria provided, single submitter. Criteria: Invitae Variant Classification Sherloc (09022015). Collection method: clinical testing. Allele origin: germline.

Ambry Genetics
Classification: Likely benign for Inborn genetic diseases. Last evaluated: 2021-10-29. Review status: criteria provided, single submitter. Criteria: Ambry Variant Classification Scheme 2023. Collection method: clinical testing. Allele origin: germline.

Genetic Services Laboratory, University of Chicago
Classification: Likely benign. Last evaluated: 2021-07-16. Review status: criteria provided, single submitter. Criteria: ACMG Guidelines, 2015. Collection method: clinical testing. Allele origin: germline. Affected: no.

GeneDx
Classification: Benign. Last evaluated: 2019-08-02. Review status: criteria provided, single submitter. Criteria: GeneDx Variant Classification Process June 2021. Collection method: clinical testing. Allele origin: germline. Affected: yes.

NM_015662.3(IFT172):c.2551G>T (p.Val851Leu)

Genes: IFT172 (intraflagellar transport 172; minus strand), LOC126806174 (CDK7 strongly-dependent group 2 enhancer GRCh37_chr2:27681686-27682885; plus strand). Cytogenetic location: 2p23.3.
Variant type: single nucleotide variant.
Coding change: c.2551G>T on transcript NM_015662.3 (MANE Select); coding-DNA position 2551, G replaced by T.
Protein change: p.Val851Leu; replaces valine 851 with leucine.
Molecular consequence: missense variant.
Genome position (GRCh38, 1-based): chr2:27,459,800, C>A on the plus strand (G>T on the coding strand, the complement: IFT172 is on the minus strand). VCF-style: chr2-27459800-C-A. GRCh37 (hg19) VCF-style: chr2-27682667-C-A.
Other names: c.2551G>T (NM_015662.1); short protein forms V851L.
Identifiers: ClinVar variation 512619 (VCV000512619.21), dbSNP rs149748534, ClinGen allele CA1580250.
Genomic context (GRCh38, chr2:27,459,800, plus strand): 5'-CAAGCTGCTTCTGCTGCACCAGGTGGTCCCCCCATGCCTCCTCTAGTTTCACCACCTCCA[C>A]TGGGAAGGCCAATCGAGCCAGCTCTACCGCTGCCAGGGAGAGAAAAGATGCTCAGCCCAG-3'
Protein context (NP_056477.1, residues 841-861): AVELARLAFP[Val851Leu]EVVKLEEAWG